The following is an entry in ClinVar:

NM_130837.3(OPA1):c.1722AGA[1] (p.Glu576del)

Gene: OPA1 (OPA1 mitochondrial dynamin like GTPase; plus strand). Cytogenetic location: 3q29.
Variant type: Microsatellite.
Coding change: c.1722AGA[1] on transcript NM_130837.3 (MANE Select); one copy of the 3-base unit AGA starting at c.1722; the reference has two copies in a row; one copy, 3 bases deleted; also written c.1725_1727del.
Protein change: p.Glu576del; deletes glutamic acid 576.
Molecular consequence: inframe deletion.
Genome position (GRCh38, 1-based): chr3:193,645,771-193,645,773, AGA deleted; deleting any 3 consecutive bases within chr3:193,645,766-193,645,773 gives the same sequence; the position shown is the placement nearest the transcript's 3' end. VCF-style (leftmost placement, unchanged base first): chr3-193645765-TGAA-T. GRCh37 (hg19) VCF-style: chr3-193363554-TGAA-T.
Other names: c.1188AGA[1], p.Glu398del (NM_001354663.2); c.1185AGA[1], p.Glu397del (NM_001354664.2); c.1557AGA[1], p.Glu521del (NM_015560.3); c.1449AGA[1], p.Glu485del (NM_130831.3); c.1503AGA[1], p.Glu503del (NM_130832.3); c.1560AGA[1], p.Glu522del (NM_130833.3); c.1611AGA[1], p.Glu539del (NM_130834.3); c.1614AGA[1], p.Glu540del (NM_130835.3); and 3 more; short protein forms E521del, E576del, E485del, E398del, E522del, E558del, E397del, E540del.
Identifiers: ClinVar variation 194662 (VCV000194662.15), dbSNP rs794727173, ClinGen allele CA240754.

ClinVar aggregate classification (germline): Conflicting classifications of pathogenicity. Review status: criteria provided, conflicting classifications (1 of 4 stars). 6 submissions from 6 submitters: Pathogenic (1); Likely pathogenic (2); Uncertain significance (2). 1 of the submissions does not count toward it. Last evaluated 2025-08-18.

Conditions:
OPA1-related disorder. Also called: OPA1-related condition; OPA1-related disorders.
Optic atrophy. Identifiers: MedGen C0029124, MONDO:0003608, HP:0000648.

Submissions (6):

Labcorp Genetics (formerly Invitae), Labcorp
Classification: Likely pathogenic. Last evaluated: 2025-08-18. Review status: criteria provided, single submitter. Criteria: Invitae Variant Classification Sherloc (09022015). Collection method: clinical testing. Allele origin: germline.
Comment: This variant, c.1560_1562del, results in the deletion of 1 amino acid(s) of the OPA1 protein (p.Glu521del), but otherwise preserves the integrity of the reading frame. This variant is not present in population databases (gnomAD no frequency). This variant has been observed in individuals with clinical features of dominant optic atrophy (PMID: 19319978, 31673222, 34242285; internal data). It has also been observed to segregate with disease in related individuals. ClinVar contains an entry for this variant (Variation ID: 194662). Experimental studies and prediction algorithms are not available or were not evaluated, and the functional significance of this variant is currently unknown. In summary, the currently available evidence indicates that the variant is pathogenic, but additional data are needed to prove that conclusively. Therefore, this variant has been classified as Likely Pathogenic.

GeneDx
Classification: Likely pathogenic. Last evaluated: 2024-03-04. Review status: criteria provided, single submitter. Criteria: GeneDx Variant Classification Process June 2021. Collection method: clinical testing. Allele origin: germline. Affected: yes.
Comment: In-frame deletion of 1 amino acid in a non-repeat region; In silico analysis supports a deleterious effect on protein structure/function; Not observed at significant frequency in large population cohorts (gnomAD); This variant is associated with the following publications: (PMID: 22042570, 31673222, 19319978, 34242285)

Blueprint Genetics
Classification: Pathogenic for OPA1-related disorders. Last evaluated: 2021-10-14. Review status: criteria provided, single submitter. Criteria: ACMG Guidelines, 2015. Collection method: clinical testing. Allele origin: germline. Affected: yes. Observed: 4 variant alleles.

Athena Diagnostics
Classification: Uncertain significance. Last evaluated: 2021-02-08. Review status: criteria provided, single submitter. Criteria: Athena Diagnostics criteria. Collection method: clinical testing. Allele origin: unknown.

Eurofins Ntd Llc (ga)
Classification: Uncertain significance. Last evaluated: 2015-05-05. Review status: criteria provided, single submitter. Criteria: EGL Classification Definitions 2015. Collection method: clinical testing. Allele origin: germline. Observed: 1 variant allele, 1 heterozygote.

Institute of Human Genetics, Univ. Regensburg, Univ. Regensburg
Classification: Uncertain significance for Optic atrophy. Last evaluated: 2023-01-01. Review status: no assertion criteria provided. Criteria: ACMG Guidelines, 2015. Collection method: clinical testing. Allele origin: germline. Affected: yes. Not counted in ClinVar's aggregate classification.

Literature cited by the submitters: PubMed 19319978 (cited by Labcorp Genetics (formerly Invitae), Labcorp and Athena Diagnostics); PubMed 31673222 (cited by Labcorp Genetics (formerly Invitae), Labcorp and Athena Diagnostics); PubMed 34242285 (cited by Labcorp Genetics (formerly Invitae), Labcorp).